The following is an entry in ClinVar:

ClinVar aggregate classification (germline): Uncertain significance (1 of 4 stars; one submission).

Conditions:
Long QT syndrome (LQTS). Identifiers: MedGen C0023976, MeSH D008133, MONDO:0002442. Disease mechanism: loss of function. Inheritance: Various modes of inheritance.

Allele frequency attached by ClinVar (database versions not stated): gnomAD exomes below 0.00001; ExAC 0.00001.
gnomAD v4.1: 1 of 1,613,098 alleles (0.000062%); highest among the groups gnomAD compares: South Asian, 0.0011%; no homozygotes.

Submission:

All of Us Research Program, National Institutes of Health
Classification: Uncertain significance for Long QT syndrome. Last evaluated: 2023-08-15. Review status: criteria provided, single submitter. Criteria: ACMG Guidelines, 2015. Collection method: clinical testing. Allele origin: germline. Inheritance: Autosomal dominant inheritance. Observed: 1 variant allele, 1 heterozygote.
Comment: This missense variant replaces histidine with glutamine at codon 309 of the KCNH2 protein. Computational prediction is inconclusive regarding the impact of this variant on protein structure and function (internally defined REVEL score threshold 0.5 < inconclusive < 0.7, PMID: 27666373). To our knowledge, functional studies have not been reported for this variant. This variant has not been reported in individuals affected with KCNH2-related disorders in the literature. This variant has been identified in 1/250124 chromosomes in the general population by the Genome Aggregation Database (gnomAD). The available evidence is insufficient to determine the role of this variant in disease conclusively. Therefore, this variant is classified as a Variant of Uncertain Significance.

This study involves interpretation of variants in research participants for the purpose of population health screening. Participant phenotype was not available at the time of variant classification. Additional details can be found in publication PMID: 35346344, PMCID: PMC8962531

NM_000238.4(KCNH2):c.927C>A (p.His309Gln)

Gene: KCNH2 (potassium voltage-gated channel subfamily H member 2; minus strand). Cytogenetic location: 7q36.1.
Variant type: single nucleotide variant.
Coding change: c.927C>A on transcript NM_000238.4 (MANE Select); coding-DNA position 927, C replaced by A.
Protein change: p.His309Gln; replaces histidine 309 with glutamine.
Molecular consequence: missense variant. On other transcripts: non-coding transcript variant (1).
Genome position (GRCh38, 1-based): chr7:150,957,492, G>T on the plus strand (C>A on the coding strand, the complement: KCNH2 is on the minus strand). VCF-style: chr7-150957492-G-T. GRCh37 (hg19) VCF-style: chr7-150654580-G-T.
Other names: c.639C>A, p.His213Gln (NM_001406753.1, NM_001406756.1); c.750C>A, p.His250Gln (NM_001406755.1); c.627C>A, p.His209Gln (NM_001406757.1); c.927C>A, p.His309Gln (NM_172056.3); short protein forms H209Q, H213Q, H250Q, H309Q.
Identifiers: ClinVar variation 3073003 (VCV003073003.1), dbSNP rs775056804, ClinGen allele CA040940.